The following is an entry in ClinVar:

ClinVar aggregate classification (germline): Conflicting classifications of pathogenicity. Review status: criteria provided, conflicting classifications (1 of 4 stars). 3 submissions from 3 submitters: Uncertain significance (1); Likely benign (2). Last evaluated 2025-09-21.

Conditions:
Inborn genetic diseases. Identifiers: MedGen C0950123, MeSH D030342.
Hypersulfaturia (HYSULF). Identifiers: MedGen C5830511, MONDO:0957268, OMIM 620372.
Nephrolithiasis susceptibility caused by SLC26A1 (CAON1). Also called: NEPHROLITHIASIS, CALCIUM OXALATE, 1. Identifiers: MedGen C5779632, MONDO:0020722, OMIM 167030.

gnomAD v4.1: 178 of 1,599,500 alleles (0.011%); highest among the groups gnomAD compares: Non-Finnish European, 0.015%; no homozygotes.

Submissions (3):

Ambry Genetics
Classification: Likely benign for Inborn genetic diseases. Last evaluated: 2025-09-21. Review status: criteria provided, single submitter. Criteria: Ambry Variant Classification Scheme 2023. Collection method: clinical testing. Allele origin: germline.

Fulgent Genetics
Classification: Likely benign for Nephrolithiasis susceptibility caused by SLC26A1; Hypersulfaturia. Last evaluated: 2024-02-25. Review status: criteria provided, single submitter. Criteria: ACMG Guidelines, 2015. Collection method: clinical testing. Allele origin: germline.

Labcorp Genetics (formerly Invitae), Labcorp
Classification: Uncertain significance. Last evaluated: 2024-02-17. Review status: criteria provided, single submitter. Criteria: Invitae Variant Classification Sherloc (09022015). Collection method: clinical testing. Allele origin: germline.
Comment: This sequence change replaces histidine, which is basic and polar, with arginine, which is basic and polar, at codon 286 of the SLC26A1 protein (p.His286Arg). This variant is present in population databases (rs777154557, gnomAD 0.008%). This variant has not been reported in the literature in individuals affected with SLC26A1-related conditions. Advanced modeling of protein sequence and biophysical properties (such as structural, functional, and spatial information, amino acid conservation, physicochemical variation, residue mobility, and thermodynamic stability) performed at Invitae indicates that this missense variant is not expected to disrupt SLC26A1 protein function with a negative predictive value of 80%. In summary, the available evidence is currently insufficient to determine the role of this variant in disease. Therefore, it has been classified as a Variant of Uncertain Significance.

NM_022042.4(SLC26A1):c.857A>G (p.His286Arg)

Genes: IDUA (alpha-L-iduronidase; plus strand), SLC26A1 (solute carrier family 26 member 1; minus strand). Cytogenetic location: 4p16.3.
Variant type: single nucleotide variant.
Coding change: c.857A>G on transcript NM_022042.4 (MANE Select); coding-DNA position 857, A replaced by G.
Protein change: p.His286Arg; replaces histidine 286 with arginine.
Molecular consequence: missense variant. On other transcripts: intron variant (2).
Genome position (GRCh38, 1-based): chr4:990,082, T>C on the plus strand (A>G on the coding strand, the complement: SLC26A1 is on the minus strand). VCF-style: chr4-990082-T-C. GRCh37 (hg19) VCF-style: chr4-983870-T-C.
Other names: c.857A>G, p.His286Arg (NM_213613.4); c.576+1046A>G (NM_134425.4); c.299+2133T>C (NM_000203.5); c.857A>G (NM_213613.2); short protein forms H286R.
Identifiers: ClinVar variation 3591508 (VCV003591508.4).